The following is an entry in ClinVar:

ClinVar aggregate classification (germline): Uncertain significance. Review status: criteria provided, multiple submitters, no conflicts (2 of 4 stars). 3 submissions from 3 submitters: Uncertain significance (3). Last evaluated 2026-07-29.

Conditions:
CEP164-related disorder. Also called: CEP164-related condition.
Nephronophthisis 15 (NPHP15). Identifiers: Orphanet 3156, MedGen C3541853, MONDO:0013917, OMIM 614845.

Allele frequency attached by ClinVar (database versions not stated): ExAC 0.00001; gnomAD exomes 0.00001; TOPMed 0.00002.
gnomAD v4.1: 31 of 1,610,474 alleles (0.0019%); highest among the groups gnomAD compares: South Asian, 0.0033%; no homozygotes.

Submissions (3):

PreventionGenetics, part of Exact Sciences
Classification: Uncertain significance for CEP164-related condition. Last evaluated: 2026-07-29. Review status: criteria provided, single submitter. Criteria: ACMG Guidelines, 2015. Collection method: clinical testing. Allele origin: germline.
Comment: The CEP164 c.3775C>T variant is predicted to result in the amino acid substitution p.Arg1259Cys. To our knowledge, this variant has not been reported in the literature. This variant is reported in 0.0018% of alleles in individuals of European (Non-Finnish) descent in gnomAD. At this time, the clinical significance of this variant is uncertain due to the absence of conclusive functional and genetic evidence.

Labcorp Genetics (formerly Invitae), Labcorp
Classification: Uncertain significance for Nephronophthisis 15. Last evaluated: 2025-06-12. Review status: criteria provided, single submitter. Criteria: Invitae Variant Classification Sherloc (09022015). Collection method: clinical testing. Allele origin: germline.
Comment: This sequence change replaces arginine, which is basic and polar, with cysteine, which is neutral and slightly polar, at codon 1259 of the CEP164 protein (p.Arg1259Cys). This variant is present in population databases (rs780550729, gnomAD 0.002%). This variant has not been reported in the literature in individuals affected with CEP164-related conditions. ClinVar contains an entry for this variant (Variation ID: 944731). Invitae Evidence Modeling of protein sequence and biophysical properties (such as structural, functional, and spatial information, amino acid conservation, physicochemical variation, residue mobility, and thermodynamic stability) indicates that this missense variant is not expected to disrupt CEP164 protein function with a negative predictive value of 80%. In summary, the available evidence is currently insufficient to determine the role of this variant in disease. Therefore, it has been classified as a Variant of Uncertain Significance.

GeneDx
Classification: Uncertain significance. Last evaluated: 2024-07-10. Review status: criteria provided, single submitter. Criteria: GeneDx Variant Classification Process June 2021. Collection method: clinical testing. Allele origin: germline. Affected: yes.
Comment: Not observed at significant frequency in large population cohorts (gnomAD); In silico analysis indicates that this missense variant does not alter protein structure/function; Has not been previously published as pathogenic or benign to our knowledge

NM_014956.5(CEP164):c.3775C>T (p.Arg1259Cys)

Gene: CEP164 (centrosomal protein 164; plus strand). Cytogenetic location: 11q23.3.
Variant type: single nucleotide variant.
Coding change: c.3775C>T on transcript NM_014956.5 (MANE Select); coding-DNA position 3775, C replaced by T.
Protein change: p.Arg1259Cys; replaces arginine 1259 with cysteine.
Molecular consequence: missense variant.
Genome position (GRCh38, 1-based): chr11:117,409,644, C>T. VCF-style: chr11-117409644-C-T. GRCh37 (hg19) VCF-style: chr11-117280360-C-T.
Other names: c.3760C>T, p.Arg1254Cys (NM_001271933.2); short protein forms R1254C, R1259C.
Identifiers: ClinVar variation 944731 (VCV000944731.11), dbSNP rs780550729, ClinGen allele CA6295580.
Genomic context (GRCh38, chr11:117,409,644, plus strand): 5'-AGTCCCTTCCCACCATCCACCTCTTTTCTTTCAGTCGACTCAACCCCGAGTCTCACCTCC[C>T]GCAAGATCCACGGGCTTAGCCACTCCCTCCGGCAGATCAGCAGCCAGCTGAGCAGTGTCC-3'
Protein context (NP_055771.4, residues 1249-1269): RIDSTPSLTS[Arg1259Cys]KIHGLSHSLR